The following is an entry in ClinVar:

ClinVar aggregate classification (germline): Uncertain significance (1 of 4 stars; one submission).

Submission:

GeneDx
Classification: Uncertain significance. Last evaluated: 2021-03-05. Review status: criteria provided, single submitter. Criteria: GeneDx Variant Classification Process June 2021. Collection method: clinical testing. Allele origin: germline. Affected: yes.
Comment: Has not been previously published as pathogenic or benign to our knowledge; Not observed in large population cohorts (Lek et al., 2016); In silico analysis supports that this missense variant does not alter protein structure/function

NM_032578.4(MYPN):c.1798T>C (p.Phe600Leu)

Gene: MYPN (myopalladin; plus strand). Cytogenetic location: 10q21.3.
Variant type: single nucleotide variant.
Coding change: c.1798T>C on transcript NM_032578.4 (MANE Select); coding-DNA position 1798, T replaced by C.
Protein change: p.Phe600Leu; replaces phenylalanine 600 with leucine.
Molecular consequence: missense variant. On other transcripts: non-coding transcript variant (2).
Genome position (GRCh38, 1-based): chr10:68,166,491, T>C. VCF-style: chr10-68166491-T-C. GRCh37 (hg19) VCF-style: chr10-69926248-T-C.
Other names: c.1798T>C, p.Phe600Leu (NM_001256267.2); c.916T>C, p.Phe306Leu (NM_001256268.2); short protein forms F306L, F600L.
Identifiers: ClinVar variation 1314158 (VCV001314158.2), dbSNP rs2134168676, ClinGen allele CA376840237.